The following is an entry in ClinVar:

ClinVar aggregate classification (germline): Uncertain significance. Review status: criteria provided, multiple submitters, no conflicts (2 of 4 stars). 2 submissions from 2 submitters: Uncertain significance (2). Last evaluated 2024-11-29.

Conditions:
Inborn genetic diseases. Identifiers: MedGen C0950123, MeSH D030342.

Allele frequency attached by ClinVar (database versions not stated): gnomAD 0.00007; ESP Exome Variant Server 0.00008; 1000 Genomes Project 0.00020; 1000 Genomes Project 30x 0.00031.
gnomAD v4.1: 192 of 1,614,050 alleles (0.012%); highest among the groups gnomAD compares: Non-Finnish European, 0.016%; no homozygotes.

Submissions (2):

Ambry Genetics
Classification: Uncertain significance for Inborn genetic diseases. Last evaluated: 2024-11-29. Review status: criteria provided, single submitter. Criteria: Ambry Variant Classification Scheme 2023. Collection method: clinical testing. Allele origin: germline.

Labcorp Genetics (formerly Invitae), Labcorp
Classification: Uncertain significance. Last evaluated: 2022-09-12. Review status: criteria provided, single submitter. Criteria: Invitae Variant Classification Sherloc (09022015). Collection method: clinical testing. Allele origin: germline.
Comment: This sequence change replaces threonine, which is neutral and polar, with isoleucine, which is neutral and non-polar, at codon 2751 of the VPS13D protein (p.Thr2751Ile). This variant is present in population databases (rs145358552, gnomAD 0.01%). This variant has not been reported in the literature in individuals affected with VPS13D-related conditions. ClinVar contains an entry for this variant (Variation ID: 1509155). Advanced modeling of protein sequence and biophysical properties (such as structural, functional, and spatial information, amino acid conservation, physicochemical variation, residue mobility, and thermodynamic stability) performed at Invitae indicates that this missense variant is expected to disrupt VPS13D protein function. In summary, the available evidence is currently insufficient to determine the role of this variant in disease. Therefore, it has been classified as a Variant of Uncertain Significance.

NM_015378.4(VPS13D):c.8252C>T (p.Thr2751Ile)

Gene: VPS13D (vacuolar protein sorting 13 homolog D; plus strand). Cytogenetic location: 1p36.22.
Variant type: single nucleotide variant.
Coding change: c.8252C>T on transcript NM_015378.4 (MANE Select); coding-DNA position 8252, C replaced by T.
Protein change: p.Thr2751Ile; replaces threonine 2751 with isoleucine.
Molecular consequence: missense variant.
Genome position (GRCh38, 1-based): chr1:12,329,883, C>T. VCF-style: chr1-12329883-C-T. GRCh37 (hg19) VCF-style: chr1-12389940-C-T.
Other names: c.8252C>T, p.Thr2751Ile (NM_018156.4); c.8252C>T (NM_015378.2); short protein forms T2751I.
Identifiers: ClinVar variation 1509155 (VCV001509155.4), dbSNP rs145358552, ClinGen allele CA603065.